The following is an entry in ClinVar:

ClinVar aggregate classification (germline): Uncertain significance (1 of 4 stars; one submission).

Conditions:
ALMS1-related disorder. Also called: ALMS1-related condition.

Submission:

PreventionGenetics, part of Exact Sciences
Classification: Uncertain significance for ALMS1-related condition. Last evaluated: 2024-01-05. Review status: criteria provided, single submitter. Criteria: ACMG Guidelines, 2015. Collection method: clinical testing. Allele origin: germline.
Comment: The ALMS1 c.7844G>A variant is predicted to result in the amino acid substitution p.Arg2615Gln. To our knowledge, this variant has not been reported in the literature or in a large population database, indicating this variant is rare. At this time, the clinical significance of this variant is uncertain due to the absence of conclusive functional and genetic evidence.

NM_001378454.1(ALMS1):c.7841G>A (p.Arg2614Lys)

Gene: ALMS1 (ALMS1 centrosome and basal body associated protein; plus strand). Cytogenetic location: 2p13.1.
Variant type: single nucleotide variant.
Coding change: c.7841G>A on transcript NM_001378454.1 (MANE Select); coding-DNA position 7841, G replaced by A.
Protein change: p.Arg2614Lys; replaces arginine 2614 with lysine.
Molecular consequence: missense variant.
Genome position (GRCh38, 1-based): chr2:73,489,800, G>A. VCF-style: chr2-73489800-G-A. GRCh37 (hg19) VCF-style: chr2-73716927-G-A.
Other names: c.7844G>A, p.Arg2615Lys (NM_015120.4); short protein forms R2614K, R2615K.
Identifiers: ClinVar variation 3029372 (VCV003029372.1), dbSNP rs1057460759, ClinGen allele CA347265923.